The following is an entry in ClinVar:

NM_001110556.2(FLNA):c.3747G>A (p.Val1249=)

Gene: FLNA (filamin A; minus strand). Cytogenetic location: Xq28.
Variant type: single nucleotide variant.
Coding change: c.3747G>A on transcript NM_001110556.2 (MANE Select); coding-DNA position 3747, G replaced by A.
Protein change: p.Val1249=; no amino-acid change (valine 1249 retained).
Molecular consequence: synonymous variant.
Genome position (GRCh38, 1-based): chrX:154,360,048, C>T on the plus strand (G>A on the coding strand, the complement: FLNA is on the minus strand). VCF-style: chrX-154360048-C-T. GRCh37 (hg19) VCF-style: chrX-153588416-C-T.
Other names: c.3747G>A, p.Val1249= (NM_001456.4).
Identifiers: ClinVar variation 3365047 (VCV003365047.2).

ClinVar aggregate classification (germline): Uncertain significance (1 of 4 stars; one submission).

Submission:

GeneDx
Classification: Uncertain significance. Last evaluated: 2025-10-13. Review status: criteria provided, single submitter. Criteria: GeneDx Variant Classification Process June 2021. Collection method: clinical testing. Allele origin: germline.
Comment: Not observed at significant frequency in large population cohorts (gnomAD); In silico analysis supports a deleterious effect on splicing; Has not been previously published as pathogenic or benign to our knowledge